The following is an entry in ClinVar:

ClinVar aggregate classification (germline): Likely pathogenic (1 of 4 stars; one submission).

Conditions:
Intellectual disability, autosomal dominant 14 (CSS2). Also called: COFFIN-SIRIS SYNDROME 2. Identifiers: Orphanet 1465, MedGen C3553247, MONDO:0013819, OMIM 614607.

Submission:

Victorian Clinical Genetics Services, Murdoch Childrens Research Institute
Classification: Likely pathogenic for Intellectual disability, autosomal dominant 14. Last evaluated: 2026-05-19. Review status: criteria provided, single submitter. Criteria: ACMG Guidelines, 2015. Collection method: clinical testing. Allele origin: germline. Affected: yes.
Comment: This variant is classified as Likely pathogenic. Evidence in support of pathogenic classification: Variant is absent from gnomAD (v2, v3 and v4); Missense variant in a region that is highly intolerant to missense variation (high constraint region in DECIPHER); Missense variant predicted to be damaging by in silico tool(s) or highly conserved with a major amino acid change; Additional information: Variant is predicted to result in a missense amino acid change from Cys to Tyr; This variant is heterozygous; This gene is associated with autosomal dominant disease; This variant has no previous evidence of pathogenicity; No published evidence of segregation with disease has been identified for this variant; No published functional evidence has been identified for this variant; No comparable missense variants have previous evidence for pathogenicity; Loss of function is a known mechanism of disease in this gene and is associated with Coffin-Siris syndrome 2 (MIM#614607).

NM_006015.6(ARID1A):c.3314G>A (p.Cys1105Tyr)

Gene: ARID1A (AT-rich interaction domain 1A; plus strand). Cytogenetic location: 1p36.11.
Variant type: single nucleotide variant.
Coding change: c.3314G>A on transcript NM_006015.6 (MANE Select); coding-DNA position 3314, G replaced by A.
Protein change: p.Cys1105Tyr; replaces cysteine 1105 with tyrosine.
Molecular consequence: missense variant.
Genome position (GRCh38, 1-based): chr1:26,771,234, G>A. VCF-style: chr1-26771234-G-A. GRCh37 (hg19) VCF-style: chr1-27097725-G-A.
Other names: c.3314G>A, p.Cys1105Tyr (NM_139135.4); short protein forms C1105Y.
Identifiers: ClinVar variation 4879570 (VCV004879570.1).